The following is an entry in ClinVar:

ClinVar aggregate classification (germline): Uncertain significance (1 of 4 stars; one submission).

Conditions:
Bainbridge-Ropers syndrome. Also called: Severe feeding difficulties-failure to thrive-microcephaly due to ASXL3 deficiency syndrome. Identifiers: Orphanet 352577, MedGen C4750837, MONDO:0014205, OMIM 615485.

gnomAD v4.1: 2 of 1,610,796 alleles (0.00012%); highest among the groups gnomAD compares: Middle Eastern, 0.033%; no homozygotes.

Submission:

Baylor Genetics
Classification: Uncertain significance for Bainbridge-Ropers syndrome. Last evaluated: 2020-06-08. Review status: criteria provided, single submitter. Criteria: ACMG Guidelines, 2015. Collection method: clinical testing. Allele origin: unknown. Affected: yes.
Comment: This variant was determined to be of uncertain significance according to ACMG Guidelines, 2015 [PMID:25741868].

NM_030632.3(ASXL3):c.314C>A (p.Thr105Lys)

Gene: ASXL3 (ASXL transcriptional regulator 3; plus strand). Cytogenetic location: 18q12.1.
Variant type: single nucleotide variant.
Coding change: c.314C>A on transcript NM_030632.3 (MANE Select); coding-DNA position 314, C replaced by A.
Protein change: p.Thr105Lys; replaces threonine 105 with lysine.
Molecular consequence: missense variant.
Genome position (GRCh38, 1-based): chr18:33,646,312, C>A. VCF-style: chr18-33646312-C-A. GRCh37 (hg19) VCF-style: chr18-31226276-C-A.
Other names: short protein forms T105K.
Identifiers: ClinVar variation 1028388 (VCV001028388.1), dbSNP rs775048629, ClinGen allele CA402162242.
Genomic context (GRCh38, chr18:33,646,312, plus strand): 5'-AGTCGTCATGCCCAGCAGATGGCACGTTGGATTTAGTCTGTGAATCTGAATTGGATGGTA[C>A]AGATATGGCCGAGGCAAATGCCCATGGAGAAGAAAATGGAGGTAAGTGTGATGAATTCCA-3'
Protein context (NP_085135.1, residues 95-115): DLVCESELDG[Thr105Lys]DMAEANAHGE